The following is an entry in ClinVar:

ClinVar aggregate classification (germline): Pathogenic (1 of 4 stars; one submission).

Submission:

Labcorp Genetics (formerly Invitae), Labcorp
Classification: Pathogenic. Last evaluated: 2021-10-28. Review status: criteria provided, single submitter. Criteria: Invitae Variant Classification Sherloc (09022015). Collection method: clinical testing. Allele origin: germline.
Comment: This sequence change creates a premature translational stop signal (p.Ala638Ilefs*9) in the DNM1L gene. It is expected to result in an absent or disrupted protein product. Loss-of-function variants in DNM1L are known to be pathogenic (PMID: 26825290, 27328748). This variant is not present in population databases (gnomAD no frequency). This variant has not been reported in the literature in individuals affected with DNM1L-related conditions. For these reasons, this variant has been classified as Pathogenic.

Literature cited by the submitters: PubMed 26825290; PubMed 27328748.

NM_012062.5(DNM1L):c.1908_1911dup (p.Ala638fs)

Gene: DNM1L (dynamin 1 like; plus strand). Cytogenetic location: 12p11.21.
Variant type: Duplication.
Coding change: c.1908_1911dup on transcript NM_012062.5 (MANE Select); coding-DNA positions 1908 to 1911, 4 bases duplicated (ATCT; older notation c.1908_1911dupATCT).
Protein change: p.Ala638fs; shifts the reading frame from alanine 638.
Molecular consequence: frameshift variant.
Genome position (GRCh38, 1-based): chr12:32,740,432-32,740,435, ATCT duplicated; duplicating any 4 consecutive bases within chr12:32,740,430-32,740,435 gives the same sequence; the c. name uses the placement nearest the transcript's 3' end. VCF-style (leftmost placement, unchanged base first): chr12-32740429-A-ACTAT. GRCh37 (hg19) VCF-style: chr12-32893363-A-ACTAT.
Other names: c.1875_1878dup, p.Ala627fs (NM_001278463.2); c.1947_1950dup, p.Ala651fs (NM_001278464.2); c.1914_1917dup, p.Ala640fs (NM_001278465.2); c.1299_1302dup, p.Ala435fs (NM_001278466.2); c.1836_1839dup, p.Ala614fs (NM_001330380.2); c.1797_1800dup, p.Ala601fs (NM_005690.5); c.1830_1833dup, p.Ala612fs (NM_012063.4); short protein forms A614fs, A638fs, A601fs, A612fs, A651fs, A627fs, A435fs, A640fs.
Identifiers: ClinVar variation 1456963 (VCV001456963.6), dbSNP rs2137591737, ClinGen allele CA2573148575.
Genomic context (GRCh38, chr12:32,740,429, plus strand): 5'-GTCACAAAAGTAATATTTTTTCCCCCTCATCCCTATTTAGCCAGTTCCTGTTGCACGAAA[A>ACTAT]CTATCTGCTCGGGAACAGCGAGATTGTGAGGTTATTGAACGACTCATTAAATCATATTTT-3'